The following is an entry in ClinVar:

NM_012254.3(SLC27A5):c.1015G>A (p.Val339Met)

Gene: SLC27A5 (solute carrier family 27 member 5; minus strand). Cytogenetic location: 19q13.43.
Variant type: single nucleotide variant.
Coding change: c.1015G>A on transcript NM_012254.3 (MANE Select); coding-DNA position 1015, G replaced by A.
Protein change: p.Val339Met; replaces valine 339 with methionine.
Molecular consequence: missense variant.
Genome position (GRCh38, 1-based): chr19:58,509,889, C>T on the plus strand (G>A on the coding strand, the complement: SLC27A5 is on the minus strand). VCF-style: chr19-58509889-C-T. GRCh37 (hg19) VCF-style: chr19-59021256-C-T.
Other names: c.763G>A, p.Val255Met (NM_001321196.2); c.1015G>A (NM_012254.2); short protein forms V339M, V255M.
Identifiers: ClinVar variation 2073009 (VCV002073009.5), dbSNP rs1003407858, ClinGen allele CA310608242.

ClinVar aggregate classification (germline): Uncertain significance. Review status: criteria provided, multiple submitters, no conflicts (2 of 4 stars). 2 submissions from 2 submitters: Uncertain significance (2). Last evaluated 2025-10-21.

Conditions:
SLC27A5-related disorder. Also called: SLC27A5-related condition.

Allele frequency attached by ClinVar (database versions not stated): gnomAD exomes 0.00002; TOPMed 0.00002; gnomAD 0.00004.
gnomAD v4.1: 31 of 1,613,636 alleles (0.0019%); highest among the groups gnomAD compares: Admixed American, 0.005%; no homozygotes.

Submissions (2):

PreventionGenetics, part of Exact Sciences
Classification: Uncertain significance for SLC27A5-related condition. Last evaluated: 2025-10-21. Review status: criteria provided, single submitter. Criteria: ACMG Guidelines, 2015. Collection method: clinical testing. Allele origin: germline.
Comment: The SLC27A5 c.1015G>A variant is predicted to result in the amino acid substitution p.Val339Met. To our knowledge, this variant has not been reported in the literature. This variant is reported in 0.024% of alleles in individuals of European (Finnish) descent in gnomAD. At this time, the clinical significance of this variant is uncertain due to the absence of conclusive functional and genetic evidence.

Labcorp Genetics (formerly Invitae), Labcorp
Classification: Uncertain significance. Last evaluated: 2022-10-19. Review status: criteria provided, single submitter. Criteria: Invitae Variant Classification Sherloc (09022015). Collection method: clinical testing. Allele origin: germline.
Comment: In summary, the available evidence is currently insufficient to determine the role of this variant in disease. Therefore, it has been classified as a Variant of Uncertain Significance. Algorithms developed to predict the effect of missense changes on protein structure and function are either unavailable or do not agree on the potential impact of this missense change (SIFT: "Tolerated"; PolyPhen-2: "Possibly Damaging"; Align-GVGD: "Class C0"). This variant has not been reported in the literature in individuals affected with SLC27A5-related conditions. This variant is present in population databases (no rsID available, gnomAD 0.02%). This sequence change replaces valine, which is neutral and non-polar, with methionine, which is neutral and non-polar, at codon 339 of the SLC27A5 protein (p.Val339Met).